The following is an entry in ClinVar:

NM_000051.4(ATM):c.8270T>G (p.Val2757Gly)

Genes: ATM (ATM serine/threonine kinase; plus strand), C11orf65 (chromosome 11 open reading frame 65; minus strand). Cytogenetic location: 11q22.3.
Variant type: single nucleotide variant.
Coding change: c.8270T>G on transcript NM_000051.4 (MANE Select); coding-DNA position 8270, T replaced by G.
Protein change: p.Val2757Gly; replaces valine 2757 with glycine.
Molecular consequence: missense variant. On other transcripts: intron variant (2).
Genome position (GRCh38, 1-based): chr11:108,343,223, T>G. VCF-style: chr11-108343223-T-G. GRCh37 (hg19) VCF-style: chr11-108213950-T-G.
Other names: c.8270T>G, p.Val2757Gly (NM_001351834.2); c.641-34152A>C (NM_001330368.2); c.695-7931A>C (NM_001351110.2); short protein forms V2757G.
Identifiers: ClinVar variation 418046 (VCV000418046.19), dbSNP rs201216427, ClinGen allele CA16619254.

ClinVar aggregate classification (germline): Uncertain significance. Review status: criteria provided, multiple submitters, no conflicts (2 of 4 stars). 4 submissions from 4 submitters: Uncertain significance (4). Last evaluated 2026-02-12.

Conditions:
Hereditary cancer-predisposing syndrome. Also called: Neoplastic Syndromes, Hereditary; Hereditary Cancer Syndrome; Tumor predisposition; Hereditary neoplastic syndrome. Identifiers: Orphanet 140162, MedGen C0027672, MeSH D009386, MONDO:0015356.
Ataxia-telangiectasia syndrome (AT). Also called: LOUIS-BAR SYNDROME; Cerebello-oculocutaneous telangiectasia; Immunodeficiency with ataxia telangiectasia; Ataxia-telangiectasia, complementation group D; AT, COMPLEMENTATION GROUP C; Ataxia-telangiectasia, complementation group E. Identifiers: Orphanet 100, MedGen C0004135, MONDO:0008840, OMIM 208900.

Submissions (4):

Ambry Genetics
Classification: Uncertain significance for Hereditary cancer-predisposing syndrome. Last evaluated: 2026-02-12. Review status: criteria provided, single submitter. Criteria: Ambry Variant Classification Scheme 2023. Collection method: clinical testing. Allele origin: germline.
Comment: The p.V2757G variant (also known as c.8270T>G), located in coding exon 56 of the ATM gene, results from a T to G substitution at nucleotide position 8270. The valine at codon 2757 is replaced by glycine, an amino acid with dissimilar properties. In an assay testing ATM function, this variant showed a functionally abnormal result (Lee KS et al. Cell, 2025 Sep;188:5081-5099.e27). This amino acid position is highly conserved in available vertebrate species. In addition, this alteration is predicted to be deleterious by in silico analysis. Based on the available evidence, the clinical significance of this variant remains unclear.

Labcorp Genetics (formerly Invitae), Labcorp
Classification: Uncertain significance for Ataxia-telangiectasia syndrome. Last evaluated: 2024-05-21. Review status: criteria provided, single submitter. Criteria: Invitae Variant Classification Sherloc (09022015). Collection method: clinical testing. Allele origin: germline.
Comment: This sequence change replaces valine, which is neutral and non-polar, with glycine, which is neutral and non-polar, at codon 2757 of the ATM protein (p.Val2757Gly). This variant is not present in population databases (gnomAD no frequency). This variant has not been reported in the literature in individuals affected with ATM-related conditions. ClinVar contains an entry for this variant (Variation ID: 418046). An algorithm developed to predict the effect of missense changes on protein structure and function (PolyPhen-2) suggests that this variant is likely to be disruptive. Algorithms developed to predict the effect of sequence changes on RNA splicing suggest that this variant may disrupt the consensus splice site. In summary, the available evidence is currently insufficient to determine the role of this variant in disease. Therefore, it has been classified as a Variant of Uncertain Significance.

Color Diagnostics, LLC DBA Color Health
Classification: Uncertain significance for Hereditary cancer-predisposing syndrome. Last evaluated: 2019-10-10. Review status: criteria provided, single submitter. Criteria: ACMG Guidelines, 2015. Collection method: clinical testing. Allele origin: germline.
Comment: This missense variant replaces valine with glycine at codon 2757 of the ATM protein. Computational prediction suggests that this variant may have deleterious impact on protein structure and function (internally defined REVEL score threshold >= 0.7, PMID: 27666373). Splice site prediction tools are inconclusive regarding the impact of this variant on RNA splicing. To our knowledge, functional studies have not been performed for this variant. This variant has not been reported in individuals affected with hereditary cancer in the literature. This variant has not been identified in the general population by the Genome Aggregation Database (gnomAD). The available evidence is insufficient to determine the role of this variant in disease conclusively. Therefore, this variant is classified as a Variant of Uncertain Significance.

GeneDx
Classification: Uncertain significance. Last evaluated: 2017-03-22. Review status: criteria provided, single submitter. Criteria: GeneDx Variant Classification (06012015). Collection method: clinical testing. Allele origin: germline. Affected: yes.
Comment: This variant is denoted ATM c.8270T>G at the cDNA level, p.Val2757Gly (V2757G) at the protein level, and results in the change of a Valine to a Glycine (GTG>GGG). This variant has not, to our knowledge, been published in the literature as pathogenic or benign. ATM Val2757Gly was not observed in large population cohorts (NHLBI Exome Sequencing Project, The 1000 Genomes Consortium 2015, Lek 2016). Since Valine and Glycine share similar properties, this is considered a conservative amino acid substitution. ATM Val2757Gly occurs at a position that is conserved across species and is located in the Kinase domain (Stracker 2013). Protein-based in silico analyses predict that this variant is probably damaging to protein structure and function. Multiple splicing models predict that this variant may partially disrupt the natural splice acceptor site for intron 56. Based on currently available information, it is unclear whether ATM Val2757Gly is a pathogenic or benign variant. We consider it to be a variant of uncertain significance.

Literature cited by the submitters: PubMed 40580951 (cited by Ambry Genetics).